The following is an entry in ClinVar:

NM_002582.4(PARN):c.730G>A (p.Val244Ile)

Gene: PARN (poly(A)-specific ribonuclease; minus strand). Cytogenetic location: 16p13.12.
Variant type: single nucleotide variant.
Coding change: c.730G>A on transcript NM_002582.4 (MANE Select); coding-DNA position 730, G replaced by A.
Protein change: p.Val244Ile; replaces valine 244 with isoleucine.
Molecular consequence: missense variant.
Genome position (GRCh38, 1-based): chr16:14,604,199, C>T on the plus strand (G>A on the coding strand, the complement: PARN is on the minus strand). VCF-style: chr16-14604199-C-T. GRCh37 (hg19) VCF-style: chr16-14698056-C-T.
Other names: c.547G>A, p.Val183Ile (NM_001134477.3); c.592G>A, p.Val198Ile (NM_001242992.2); short protein forms V198I, V244I, V183I.
Identifiers: ClinVar variation 4788754 (VCV004788754.1).
Genomic context (GRCh38, chr16:14,604,199, plus strand): 5'-CAATTACCTGTTCTTTGGCATGTTTCTGCTGCTCTCTTCTTTTGCGTTCTTCTTCATCTA[C>T]TTTGCTGATAACTATATATCGCTCCTTCTAAAAGACATAAAGCAGATATACAATTTTCTT-3'
Protein context (NP_002573.1, residues 234-254): KKERYIVISK[Val244Ile]DEEERKRREQ

ClinVar aggregate classification (germline): Uncertain significance (1 of 4 stars; one submission).

Conditions:
Pulmonary fibrosis and/or bone marrow failure, Telomere-related, 4. Also called: PULMONARY FIBROSIS AND/OR BONE MARROW FAILURE SYNDROME, TELOMERE-RELATED, 4. Identifiers: Orphanet 2032, MedGen C4225347, MONDO:0014612, OMIM 616371.
Dyskeratosis congenita, autosomal recessive 6 (DKCB6). Identifiers: MedGen C4225356, MONDO:0014600, OMIM 616353.

Submission:

Labcorp Genetics (formerly Invitae), Labcorp
Classification: Uncertain significance for Dyskeratosis congenita, autosomal recessive 6; Pulmonary fibrosis and/or bone marrow failure, Telomere-related, 4. Last evaluated: 2025-08-12. Review status: criteria provided, single submitter. Criteria: Invitae Variant Classification Sherloc (09022015). Collection method: clinical testing. Allele origin: germline.
Comment: This sequence change replaces valine, which is neutral and non-polar, with isoleucine, which is neutral and non-polar, at codon 244 of the PARN protein (p.Val244Ile). This variant is not present in population databases (gnomAD no frequency). This variant has not been reported in the literature in individuals affected with PARN-related conditions. Invitae Evidence Modeling of protein sequence and biophysical properties (such as structural, functional, and spatial information, amino acid conservation, physicochemical variation, residue mobility, and thermodynamic stability) indicates that this missense variant is not expected to disrupt PARN protein function with a negative predictive value of 80%. In summary, the available evidence is currently insufficient to determine the role of this variant in disease. Therefore, it has been classified as a Variant of Uncertain Significance.